The following is an entry in ClinVar:

ClinVar aggregate classification (germline): Uncertain significance (1 of 4 stars; one submission).

Submission:

Women's Health and Genetics/Laboratory Corporation of America, LabCorp
Classification: Uncertain significance. Last evaluated: 2025-06-03. Review status: criteria provided, single submitter. Criteria: LabCorp Variant Classification Summary - May 2015. Collection method: clinical testing. Allele origin: germline.
Comment: Variant summary: NSD1 c.7079G>T (p.Arg2360Met) results in a non-conservative amino acid change in the encoded protein sequence. Algorithms developed to predict the effect of missense changes on protein structure and function are either unavailable or do not agree on the potential impact of this missense change. The variant was absent in 251026 control chromosomes. The available data on variant occurrences in the general population are insufficient to allow any conclusion about variant significance. To our knowledge, no occurrence of c.7079G>T in individuals affected with Sotos Syndrome and no experimental evidence demonstrating its impact on protein function have been reported. ClinVar contains an entry for this variant (Variation ID: 3233782). Based on the evidence outlined above, the variant was classified as uncertain significance.

NM_022455.5(NSD1):c.7079G>T (p.Arg2360Met)

Gene: NSD1 (nuclear receptor binding SET domain protein 1; plus strand). Cytogenetic location: 5q35.3.
Variant type: single nucleotide variant.
Coding change: c.7079G>T on transcript NM_022455.5 (MANE Select); coding-DNA position 7079, G replaced by T.
Protein change: p.Arg2360Met; replaces arginine 2360 with methionine.
Molecular consequence: missense variant.
Genome position (GRCh38, 1-based): chr5:177,294,447, G>T. VCF-style: chr5-177294447-G-T. GRCh37 (hg19) VCF-style: chr5-176721448-G-T.
Other names: c.6206G>T, p.Arg2069Met (NM_001365684.2, NM_001409308.1, NM_172349.5); c.7079G>T, p.Arg2360Met (NM_001409301.1, NM_001409302.1, NM_001409303.1); c.6659G>T, p.Arg2220Met (NM_001409304.1); c.6326G>T, p.Arg2109Met (NM_001409305.1); c.6317G>T, p.Arg2106Met (NM_001409306.1, NM_001409307.1); c.5957G>T, p.Arg1986Met (NM_001409309.1); short protein forms R1986M, R2069M, R2106M, R2109M, R2220M, R2360M.
Identifiers: ClinVar variation 3233782 (VCV003233782.3), dbSNP rs1445043454, ClinGen allele CA362328220.